The following is an entry in ClinVar:

NC_000003.11:g.(?_81627056)_(81720124_?)del

Gene: GBE1 (1,4-alpha-glucan branching enzyme 1; minus strand). Cytogenetic location: 3p12.2.
Variant type: Deletion.
Identifiers: ClinVar variation 3246828 (VCV003246828.1).

ClinVar aggregate classification (germline): Pathogenic (1 of 4 stars; one submission).

Conditions:
Glycogen storage disease IV, classic hepatic. Also called: GSD IV, CLASSIC HEPATIC. Identifiers: MedGen C1856301.
Glycogen storage disease, type IV (GSD4). Also called: AMYLOPECTINOSIS; ANDERSEN DISEASE; BRANCHER DEFICIENCY; CIRRHOSIS, FAMILIAL, WITH DEPOSITION OF ABNORMAL GLYCOGEN; GBE1 DEFICIENCY; GLYCOGEN BRANCHING ENZYME DEFICIENCY. Identifiers: Orphanet 367, MedGen C0017923, MONDO:0009292, OMIM 232500.

Submission:

Labcorp Genetics (formerly Invitae), Labcorp
Classification: Pathogenic for Glycogen storage disease, type IV; Glycogen storage disease IV, classic hepatic. Last evaluated: 2023-08-07. Review status: criteria provided, single submitter. Criteria: Invitae Variant Classification Sherloc (09022015). Collection method: clinical testing. Allele origin: unknown.
Comment: This variant has not been reported in the literature in individuals affected with GBE1-related conditions. This variant is a gross deletion of the genomic region encompassing exon(s) 3-12 of the GBE1 gene. This variant would be expected to be in-frame, preserving the integrity of the reading frame. For these reasons, this variant has been classified as Pathogenic. This variant disrupts a region of the GBE1 protein in which other variant(s) (p.Tyr535Cys) have been determined to be pathogenic (PMID: 20058079, 25728520). This suggests that this is a clinically significant region of the protein, and that variants that disrupt it are likely to be disease-causing.

Literature cited by the submitters: PubMed 20058079; PubMed 25728520.